The following is an entry in ClinVar:

ClinVar aggregate classification (germline): Uncertain significance (1 of 4 stars; one submission).

Submission:

GeneDx
Classification: Uncertain significance. Last evaluated: 2017-10-20. Review status: criteria provided, single submitter. Criteria: GeneDx Variant Classification (06012015). Collection method: clinical testing. Allele origin: germline. Affected: yes.
Comment: The c.73_99del27 variant has not been published as a pathogenic variant, nor has it been reported as a benign variant to our knowledge. This variant is notobserved in large population cohorts (Lek et al., 2016). The c.73_99del27 variant results in an in-frame deletion of 9 amino acid residues, denoted c.Ala25_Leu33del. The c.73_99del27 variant alters residues that are not well conserved. Therefore, based on the currently available information, it is unclear whether this variant is a pathogenic variant or arare benign variant.

NM_004820.5(CYP7B1):c.73_99del (p.Ala25_Leu33del)

Gene: CYP7B1 (cytochrome P450 family 7 subfamily B member 1; minus strand). Cytogenetic location: 8q12.3.
Variant type: Deletion.
Coding change: c.73_99del on transcript NM_004820.5 (MANE Select); coding-DNA positions 73 to 99, 27 bases deleted (GCCGCGGCCCTGCTGCTCCTGGCCCTC).
Protein change: p.Ala25_Leu33del.
Molecular consequence: inframe deletion.
Genome position (GRCh38, 1-based): chr8:64,798,489-64,798,515, GAGGGCCAGGAGCAGCAGGGCCGCGGC deleted on the plus strand (GCCGCGGCCCTGCTGCTCCTGGCCCTC on the coding strand, the reverse complement: CYP7B1 is on the minus strand); deleting any 27 consecutive bases within chr8:64,798,489-64,798,525 gives the same sequence; the c. name uses the placement nearest the transcript's 3' end. VCF-style (leftmost placement, unchanged base first): chr8-64798488-AGAGGGCCAGGAGCAGCAGGGCCGCGGC-A. GRCh37 (hg19) VCF-style: chr8-65711045-AGAGGGCCAGGAGCAGCAGGGCCGCGGC-A.
Other names: c.73_99del, p.Ala25_Leu33del (NM_001324112.2).
Identifiers: ClinVar variation 452858 (VCV000452858.2), dbSNP rs1554542644, ClinGen allele CA658657777.